The following is an entry in ClinVar:

NM_001283009.2(RTEL1):c.2462A>G (p.Glu821Gly)

Genes: RTEL1 (regulator of telomere elongation helicase 1; plus strand), RTEL1-TNFRSF6B (RTEL1-TNFRSF6B readthrough (NMD candidate); plus strand). Cytogenetic location: 20q13.33.
Variant type: single nucleotide variant.
Coding change: c.2462A>G on transcript NM_001283009.2 (MANE Select); coding-DNA position 2462, A replaced by G.
Protein change: p.Glu821Gly; replaces glutamic acid 821 with glycine.
Molecular consequence: missense variant. On other transcripts: non-coding transcript variant (1).
Genome position (GRCh38, 1-based): chr20:63,690,853, A>G. VCF-style: chr20-63690853-A-G. GRCh37 (hg19) VCF-style: chr20-62322206-A-G.
Other names: c.2462A>G, p.Glu821Gly (NM_016434.4); c.2534A>G, p.Glu845Gly (NM_032957.5); c.1793A>G, p.Glu598Gly (NM_001283010.1); short protein forms E598G, E821G, E845G.
Identifiers: ClinVar variation 4629648 (VCV004629648.1).
Genomic context (GRCh38, chr20:63,690,853, plus strand): 5'-GTGCCCCTGCAGGGTCACCAGCTGCCGGGGACCCCGAGAGTAGCCTGTGTGTGGAGTATG[A>G]GCAGGAGCCAGTTCCTGCCCGGCAGAGGCCCAGGGGGCTGCTGGCCGCCCTGGAGCACAG-3'
Protein context (NP_001269938.1, residues 811-831): DPESSLCVEY[Glu821Gly]QEPVPARQRP

ClinVar aggregate classification (germline): Uncertain significance (1 of 4 stars; one submission).

Conditions:
Inborn genetic diseases. Identifiers: MedGen C0950123, MeSH D030342.

Submission:

Ambry Genetics
Classification: Uncertain significance for Inborn genetic diseases. Last evaluated: 2025-12-09. Review status: criteria provided, single submitter. Criteria: Ambry Variant Classification Scheme 2023. Collection method: clinical testing. Allele origin: germline.
Comment: The p.E821G variant (also known as c.2462A>G), located in coding exon 26 of the RTEL1 gene, results from an A to G substitution at nucleotide position 2462. The glutamic acid at codon 821 is replaced by glycine, an amino acid with similar properties. This amino acid position is conserved. In addition, this alteration is predicted to be tolerated by in silico analysis. Based on the available evidence, the clinical significance of this variant remains unclear.